The following is an entry in ClinVar:

NM_000465.4(BARD1):c.1529T>A (p.Val510Asp)

Gene: BARD1 (BRCA1 associated RING domain 1; minus strand). Cytogenetic location: 2q35.
Variant type: single nucleotide variant.
Coding change: c.1529T>A on transcript NM_000465.4 (MANE Select); coding-DNA position 1529, T replaced by A.
Protein change: p.Val510Asp; replaces valine 510 with aspartic acid.
Molecular consequence: missense variant. On other transcripts: non-coding transcript variant (3), intron variant (3).
Genome position (GRCh38, 1-based): chr2:214,767,521, A>T on the plus strand (T>A on the coding strand, the complement: BARD1 is on the minus strand). VCF-style: chr2-214767521-A-T. GRCh37 (hg19) VCF-style: chr2-215632245-A-T.
Other names: c.1472T>A, p.Val491Asp (NM_001282543.2); c.159-14966T>A (NM_001282548.2); c.216-14966T>A (NM_001282545.2); c.364+24776T>A (NM_001282549.2); short protein forms V491D, V510D.
Identifiers: ClinVar variation 1774576 (VCV001774576.2), dbSNP rs2469442900, ClinGen allele CA350448226.
Genomic context (GRCh38, chr2:214,767,521, plus strand): 5'-TTTTTACGTTGAACTACTTACACAGCATTTCTGGAGGCTCCATAGGAAAGTAACAGCTTG[A>T]CTATATCCACATGCCCATTCTTGGCTGCATCGTGAAGTGGTGAGTCATTTTGATACCCGG-3'
Protein context (NP_000456.2, residues 500-520): DAAKNGHVDI[Val510Asp]KLLLSYGASR

ClinVar aggregate classification (germline): Uncertain significance (1 of 4 stars; one submission).

Conditions:
Hereditary cancer-predisposing syndrome. Also called: Hereditary Cancer Syndrome; Hereditary neoplastic syndrome; Neoplastic Syndromes, Hereditary; Tumor predisposition. Identifiers: Orphanet 140162, MedGen C0027672, MeSH D009386, MONDO:0015356.

Submission:

Ambry Genetics
Classification: Uncertain significance for Hereditary cancer-predisposing syndrome. Last evaluated: 2022-07-08. Review status: criteria provided, single submitter. Criteria: Ambry Variant Classification Scheme 2023. Collection method: clinical testing. Allele origin: germline.
Comment: The p.V510D variant (also known as c.1529T>A), located in coding exon 6 of the BARD1 gene, results from a T to A substitution at nucleotide position 1529. The valine at codon 510 is replaced by aspartic acid, an amino acid with highly dissimilar properties. This amino acid position is conserved. In addition, this alteration is predicted to be deleterious by in silico analysis. Since supporting evidence is limited at this time, the clinical significance of this alteration remains unclear.